The following is an entry in ClinVar:

NM_015425.6(POLR1A):c.750A>G (p.Ile250Met)

Gene: POLR1A (RNA polymerase I subunit A; minus strand). Cytogenetic location: 2p11.2.
Variant type: single nucleotide variant.
Coding change: c.750A>G on transcript NM_015425.6 (MANE Select); coding-DNA position 750, A replaced by G.
Protein change: p.Ile250Met; replaces isoleucine 250 with methionine.
Molecular consequence: missense variant.
Genome position (GRCh38, 1-based): chr2:86,083,149, T>C on the plus strand (A>G on the coding strand, the complement: POLR1A is on the minus strand). VCF-style: chr2-86083149-T-C. GRCh37 (hg19) VCF-style: chr2-86310272-T-C.
Other names: short protein forms I250M.
Identifiers: ClinVar variation 2869119 (VCV002869119.3), dbSNP rs747493929, ClinGen allele CA1746540.
Genomic context (GRCh38, chr2:86,083,149, plus strand): 5'-CTTCCACAGGGCAGAAAGGTGTTCGCGGGCACTGGTGGGTGTTAAGTATCCTCGTTTTCC[T>C]ATCTGAGCTTCCTCAATTCCTGGAGCCAAGGAGGAGAATCAAAGTGCAATAAATCAGAAA-3'
Protein context (NP_056240.2, residues 240-260): SEPLGIEEAQ[Ile250Met]GKRGYLTPTS

ClinVar aggregate classification (germline): Uncertain significance (1 of 4 stars; one submission).

Allele frequency attached by ClinVar (database versions not stated): TOPMed below 0.00001; ExAC 0.00001; 1000 Genomes Project 30x 0.00031; gnomAD 0.00001; gnomAD exomes 0.00001.
gnomAD v4.1: 10 of 1,613,730 alleles (0.00062%); highest among the groups gnomAD compares: East Asian, 0.022%; no homozygotes.

Submission:

Labcorp Genetics (formerly Invitae), Labcorp
Classification: Uncertain significance. Last evaluated: 2025-02-19. Review status: criteria provided, single submitter. Criteria: Invitae Variant Classification Sherloc (09022015). Collection method: clinical testing. Allele origin: germline.
Comment: This sequence change replaces isoleucine, which is neutral and non-polar, with methionine, which is neutral and non-polar, at codon 250 of the POLR1A protein (p.Ile250Met). This variant is present in population databases (rs747493929, gnomAD 0.02%). This variant has not been reported in the literature in individuals affected with POLR1A-related conditions. ClinVar contains an entry for this variant (Variation ID: 2869119). Invitae Evidence Modeling of protein sequence and biophysical properties (such as structural, functional, and spatial information, amino acid conservation, physicochemical variation, residue mobility, and thermodynamic stability) indicates that this missense variant is not expected to disrupt POLR1A protein function with a negative predictive value of 80%. In summary, the available evidence is currently insufficient to determine the role of this variant in disease. Therefore, it has been classified as a Variant of Uncertain Significance.